The following is an entry in ClinVar:

NM_006514.4(SCN10A):c.2276G>A (p.Arg759His)

Gene: SCN10A (sodium voltage-gated channel alpha subunit 10; minus strand). Cytogenetic location: 3p22.2.
Variant type: single nucleotide variant.
Coding change: c.2276G>A on transcript NM_006514.4 (MANE Select); coding-DNA position 2276, G replaced by A.
Protein change: p.Arg759His; replaces arginine 759 with histidine.
Molecular consequence: missense variant.
Genome position (GRCh38, 1-based): chr3:38,739,519, C>T on the plus strand (G>A on the coding strand, the complement: SCN10A is on the minus strand). VCF-style: chr3-38739519-C-T. GRCh37 (hg19) VCF-style: chr3-38781010-C-T.
Other names: c.2276G>A, p.Arg759His (NM_001293306.2); c.1982G>A, p.Arg661His (NM_001293307.2); short protein forms R661H, R759H.
Identifiers: ClinVar variation 1983584 (VCV001983584.4), dbSNP rs1048676042, ClinGen allele CA72974333.

ClinVar aggregate classification (germline): Uncertain significance (1 of 4 stars; one submission).

Conditions:
Brugada syndrome. Also called: Sudden Unexplained Nocturnal Death Syndrome (SUNDS); Sudden unexpected nocturnal death syndrome; Sudden unexplained nocturnal death syndrome; Sudden Unexplained Death Syndrome. Identifiers: Orphanet 130, MedGen C1142166, MONDO:0015263.

gnomAD v4.1: 4 of 1,612,730 alleles (0.00025%); highest among the groups gnomAD compares: Non-Finnish European, 0.00034%; no homozygotes.

Submission:

Labcorp Genetics (formerly Invitae), Labcorp
Classification: Uncertain significance for Brugada syndrome. Last evaluated: 2021-12-11. Review status: criteria provided, single submitter. Criteria: Invitae Variant Classification Sherloc (09022015). Collection method: clinical testing. Allele origin: germline.
Comment: This variant has not been reported in the literature in individuals affected with SCN10A-related conditions. This variant is not present in population databases (gnomAD no frequency). This sequence change replaces arginine, which is basic and polar, with histidine, which is basic and polar, at codon 759 of the SCN10A protein (p.Arg759His). In summary, the available evidence is currently insufficient to determine the role of this variant in disease. Therefore, it has been classified as a Variant of Uncertain Significance. Advanced modeling of protein sequence and biophysical properties (such as structural, functional, and spatial information, amino acid conservation, physicochemical variation, residue mobility, and thermodynamic stability) performed at Invitae indicates that this missense variant is expected to disrupt SCN10A protein function.